The following is an entry in ClinVar:

ClinVar aggregate classification (germline): Pathogenic/Likely pathogenic. Review status: criteria provided, multiple submitters, no conflicts (2 of 4 stars). 3 submissions from 3 submitters: Pathogenic (1); Likely pathogenic (2). Last evaluated 2026-04-20.

Conditions:
Maple syrup urine disease type 1B (MSUD1B). Also called: MSUD type IB; MSUD type 3 (formerly); MSUD due to deficiency of e1-beta subunit of branched-chain alpha-keto acid dehydrogenase complex. Identifiers: MedGen C2930990, MONDO:0023692, OMIM 620698.

Submissions (3):

Genetics laboratory, Institute of Kidney Diseases & Research Centre Dr. H.L. Trivedi Institute Of Transplantation Sciences
Classification: Likely pathogenic for Maple syrup urine disease type 1B. Last evaluated: 2026-04-20. Review status: criteria provided, single submitter. Criteria: ACMG Guidelines, 2015. Collection method: clinical testing. Allele origin: germline. Inheritance: Autosomal recessive inheritance. Affected: yes. Observed: 1 variant allele, 1 homozygote.
Comment: The BCKDHB c.508C>A (p.Arg170Ser) variant is classified as Likely Pathogenic according to ACMG/AMP criteria. The variant is absent or extremely rare in population databases (PM2) and affects a highly conserved and clinically significant amino acid residue (PM1). Multiple computational prediction tools support a deleterious effect on protein function (PP3). Additionally, pathogenic/likely pathogenic missense variants affecting the same amino acid residue (p.Arg170Cys and p.Arg170Gly) have been reported in individuals with BCKDHB-related maple syrup urine disease, supporting the significance of this residue (PM5). Overall, the available evidence supports classification of this variant as Likely Pathogenic.

Eurofins Ntd Llc (ga)
Classification: Likely pathogenic. Last evaluated: 2012-10-31. Review status: criteria provided, single submitter. Criteria: EGL Classification Definitions. Collection method: clinical testing. Allele origin: germline. Observed: 2 variant alleles, 2 heterozygotes.

Juno Genomics, Hangzhou Juno Genomics, Inc
Classification: Pathogenic for Maple syrup urine disease type 1B. Review status: criteria provided, single submitter. Criteria: ACMG Guidelines, 2015. Collection method: clinical testing. Allele origin: germline.
Comment: Absent from controls (or at extremely low frequency if recessive) in Genome Aggregation Database.;Multiple lines of computational evidence support a deleterious effect on the gene or gene product.;For recessive disorders, detected in trans with a pathogenic variant.;Patient's phenotype or family history is highly specific for a disease with a single genetic etiology.;Novel missense change at an amino acid residue where a different missense change determined to be pathogenic has been seen before.

NM_183050.4(BCKDHB):c.508C>A (p.Arg170Ser)

Gene: BCKDHB (branched chain keto acid dehydrogenase E1 subunit beta; plus strand). Cytogenetic location: 6q14.1.
Variant type: single nucleotide variant.
Coding change: c.508C>A on transcript NM_183050.4 (MANE Select); coding-DNA position 508, C replaced by A.
Protein change: p.Arg170Ser; replaces arginine 170 with serine.
Molecular consequence: missense variant. On other transcripts: non-coding transcript variant (1).
Genome position (GRCh38, 1-based): chr6:80,168,905, C>A. VCF-style: chr6-80168905-C-A. GRCh37 (hg19) VCF-style: chr6-80878622-C-A.
Other names: c.508C>A, p.Arg170Ser (NM_000056.5); c.298C>A, p.Arg100Ser (NM_001318975.1); short protein forms R170S, R100S.
Identifiers: ClinVar variation 96588 (VCV000096588.10), dbSNP rs398124581, ClinGen allele CA224295.